The following is an entry in ClinVar:

NM_001330260.2(SCN8A):c.1421C>T (p.Pro474Leu)

Gene: SCN8A (sodium voltage-gated channel alpha subunit 8; plus strand). Cytogenetic location: 12q13.13.
Variant type: single nucleotide variant.
Coding change: c.1421C>T on transcript NM_001330260.2 (MANE Select); coding-DNA position 1421, C replaced by T.
Protein change: p.Pro474Leu; replaces proline 474 with leucine.
Molecular consequence: missense variant.
Genome position (GRCh38, 1-based): chr12:51,706,501, C>T. VCF-style: chr12-51706501-C-T. GRCh37 (hg19) VCF-style: chr12-52100285-C-T.
Other names: c.1421C>T, p.Pro474Leu (NM_001177984.3, NM_001369788.1, NM_014191.4); short protein forms P474L.
Identifiers: ClinVar variation 1982241 (VCV001982241.4), dbSNP rs928008352, ClinGen allele CA236264010.

ClinVar aggregate classification (germline): Uncertain significance (1 of 4 stars; one submission).

Conditions:
Early-infantile DEE. Also called: Early infantile epileptic encephalopathy; Early infantile epileptic encephalopathy with suppression bursts; Ohtahara syndrome. Identifiers: Orphanet 1934, MedGen C0393706, MONDO:0800491.

Allele frequency attached by ClinVar (database versions not stated): gnomAD exomes below 0.00001.
gnomAD v4.1: 1 of 1,604,928 alleles (0.000062%); highest among the groups gnomAD compares: Non-Finnish European, 0.000085%; no homozygotes.

Submission:

Labcorp Genetics (formerly Invitae), Labcorp
Classification: Uncertain significance for Early-infantile DEE. Last evaluated: 2022-08-26. Review status: criteria provided, single submitter. Criteria: Invitae Variant Classification Sherloc (09022015). Collection method: clinical testing. Allele origin: germline.
Comment: In summary, the available evidence is currently insufficient to determine the role of this variant in disease. Therefore, it has been classified as a Variant of Uncertain Significance. Algorithms developed to predict the effect of missense changes on protein structure and function are either unavailable or do not agree on the potential impact of this missense change (SIFT: "Deleterious"; PolyPhen-2: "Benign"; Align-GVGD: "Class C0"). This variant has not been reported in the literature in individuals affected with SCN8A-related conditions. This variant is not present in population databases (gnomAD no frequency). This sequence change replaces proline, which is neutral and non-polar, with leucine, which is neutral and non-polar, at codon 474 of the SCN8A protein (p.Pro474Leu).